The following is an entry in ClinVar:

NM_001267550.2(TTN):c.36803C>G (p.Pro12268Arg)

Gene: TTN (titin; minus strand). Cytogenetic location: 2q31.2.
Variant type: single nucleotide variant.
Coding change: c.36803C>G on transcript NM_001267550.2 (MANE Select); coding-DNA position 36803, C replaced by G.
Protein change: p.Pro12268Arg; replaces proline 12268 with arginine.
Molecular consequence: missense variant. On other transcripts: intron variant (5).
Genome position (GRCh38, 1-based): chr2:178,662,800, G>C on the plus strand (C>G on the coding strand, the complement: TTN is on the minus strand). VCF-style: chr2-178662800-G-C. GRCh37 (hg19) VCF-style: chr2-179527527-G-C.
Other names: c.13283-20483C>G (NM_003319.4); c.13859-20483C>G (NM_133437.4); c.13658-20483C>G (NM_133432.3); c.31573+166C>G (NM_133378.4); c.34354+166C>G (NM_001256850.1); short protein forms P12268R.
Identifiers: ClinVar variation 467074 (VCV000467074.34), dbSNP rs997014833, ClinGen allele CA60973326.

ClinVar aggregate classification (germline): Conflicting classifications of pathogenicity. Review status: criteria provided, conflicting classifications (1 of 4 stars). 8 submissions from 8 submitters: Uncertain significance (4); Likely benign (2). 2 of the submissions do not count toward it. Last evaluated 2026-07-01.

Conditions:
TTN-related disorder. Also called: TTN-related disorders; TTN-related condition; TTN-related disease.
Dilated cardiomyopathy 1G (CMD1G). Identifiers: Orphanet 154, MedGen C1858763, MONDO:0011400, OMIM 604145.
Autosomal recessive limb-girdle muscular dystrophy type 2J (LGMDR10). Also called: Limb-girdle muscular dystrophy, type 2J; MUSCULAR DYSTROPHY, LIMB-GIRDLE, AUTOSOMAL RECESSIVE 10. Identifiers: Orphanet 140922, MedGen C1837342, MONDO:0012127, OMIM 608807.
Early-onset myopathy with fatal cardiomyopathy (CMYO5). Also called: CONGENITAL MYOPATHY 5 WITH CARDIOMYOPATHY; Salih Myopathy. Identifiers: Orphanet 289377, MedGen C2673677, MONDO:0012714, OMIM 611705. Disease mechanism: loss of function.
Tibial muscular dystrophy (TMD). Also called: Udd Distal Myopathy – Tibial Muscular Dystrophy; Tibial muscular dystrophy, tardive; UDD MYOPATHY. Identifiers: Orphanet 609, MedGen C1838244, MONDO:0010870, OMIM 600334.
Hypertrophic cardiomyopathy 9. Also called: Familial hypertrophic cardiomyopathy 9. Identifiers: MedGen C1861065, MONDO:0013412, OMIM 613765.
Myopathy, myofibrillar, 9, with early respiratory failure (MFM9). Also called: EDSTROM MYOPATHY; MYOPATHY, PROXIMAL, WITH EARLY RESPIRATORY MUSCLE INVOLVEMENT; Hereditary myopathy with early respiratory failure; Myopathy, distal, with early respiratory failure, autosomal dominant. Identifiers: Orphanet 178464, Orphanet 34521, MedGen C1863599, MONDO:0011362, OMIM 603689.

Allele frequency attached by ClinVar (database versions not stated): TOPMed 0.00010; gnomAD 0.00013; gnomAD exomes 0.00013.

Submissions (8):

CeGaT Center for Human Genetics Tuebingen
Classification: Likely benign. Last evaluated: 2026-07-01. Review status: criteria provided, single submitter. Criteria: CeGaT Center For Human Genetics Tuebingen Variant Classification Criteria Version 2. Collection method: clinical testing. Allele origin: germline. Affected: yes. Observed: 5 variant alleles.
Comment: TTN: BP4

PreventionGenetics, part of Exact Sciences
Classification: Uncertain significance for TTN-related condition. Last evaluated: 2026-01-27. Review status: criteria provided, single submitter. Criteria: ACMG Guidelines, 2015. Collection method: clinical testing. Allele origin: germline.
Comment: The TTN c.36803C>G variant is predicted to result in the amino acid substitution p.Pro12268Arg. To our knowledge, this variant has not been reported in the literature. This variant is reported in 0.049% of alleles in individuals of South Asian descent in gnomAD. This variant falls within a highly paralogous region, and therefore allele frequency data should be interpreted with caution. At this time, the clinical significance of this variant is uncertain due to the absence of conclusive functional and genetic evidence.

Blueprint Genetics
Classification: Likely benign. Last evaluated: 2024-10-21. Review status: criteria provided, single submitter. Criteria: ACMG Guidelines, 2015. Collection method: clinical testing. Allele origin: germline.

Fulgent Genetics
Classification: Uncertain significance for Tibial muscular dystrophy; Myopathy, myofibrillar, 9, with early respiratory failure; Dilated cardiomyopathy 1G; Autosomal recessive limb-girdle muscular dystrophy type 2J; Early-onset myopathy with fatal cardiomyopathy; Hypertrophic cardiomyopathy 9. Last evaluated: 2024-03-11. Review status: criteria provided, single submitter. Criteria: ACMG Guidelines, 2015. Collection method: clinical testing. Allele origin: germline.

Department of Pathology and Laboratory Medicine, Sinai Health System
Classification: Uncertain significance for Tibial muscular dystrophy; Myopathy, myofibrillar, 9, with early respiratory failure; Dilated cardiomyopathy 1G; Autosomal recessive limb-girdle muscular dystrophy type 2J; Early-onset myopathy with fatal cardiomyopathy; Hypertrophic cardiomyopathy 9. Last evaluated: 2022-06-03. Review status: criteria provided, single submitter. Criteria: ACMG Guidelines, 2015. Collection method: research. Allele origin: germline.

Labcorp Genetics (formerly Invitae), Labcorp
Classification: Uncertain significance for Dilated cardiomyopathy 1G; Autosomal recessive limb-girdle muscular dystrophy type 2J. Last evaluated: 2017-11-21. Review status: criteria provided, single submitter. Criteria: Invitae Variant Classification Sherloc (09022015). Collection method: clinical testing. Allele origin: germline.

Clinical Genetics DNA and cytogenetics Diagnostics Lab, Erasmus MC, Erasmus Medical Center
Classification: Uncertain significance. Review status: no assertion criteria provided. Collection method: clinical testing. Allele origin: germline. Affected: yes. Study: VKGL Data-share Consensus. Not counted in ClinVar's aggregate classification.

Genome Diagnostics Laboratory, Amsterdam University Medical Center
Classification: Uncertain significance. Review status: no assertion criteria provided. Collection method: clinical testing. Allele origin: germline. Affected: yes. Study: VKGL Data-share Consensus. Not counted in ClinVar's aggregate classification.